The following is an entry in ClinVar:

ClinVar aggregate classification (germline): Uncertain significance. Review status: criteria provided, multiple submitters, no conflicts (2 of 4 stars). 2 submissions from 2 submitters: Uncertain significance (2). Last evaluated 2023-08-07.

Conditions:
Hereditary cancer-predisposing syndrome. Also called: Hereditary neoplastic syndrome; Tumor predisposition; Neoplastic Syndromes, Hereditary; Hereditary Cancer Syndrome. Identifiers: Orphanet 140162, MedGen C0027672, MeSH D009386, MONDO:0015356.
Familial cancer of breast. Also called: Hereditary breast cancer; BREAST CANCER, FAMILIAL; hereditary breast carcinoma. Identifiers: Orphanet 227535, MedGen C0346153, MONDO:0016419, OMIM 114480. Disease mechanism: loss of function.
Fanconi anemia complementation group J. Also called: BRIP1-Related Fanconi Anemia. Identifiers: Orphanet 84, MedGen C1836860, MONDO:0012187, OMIM 609054.

Submissions (2):

Ambry Genetics
Classification: Uncertain significance for Hereditary cancer-predisposing syndrome. Last evaluated: 2023-08-07. Review status: criteria provided, single submitter. Criteria: Ambry Variant Classification Scheme 2023. Collection method: clinical testing. Allele origin: germline.
Comment: The p.T354A variant (also known as c.1060A>G), located in coding exon 7 of the BRIP1 gene, results from an A to G substitution at nucleotide position 1060. The threonine at codon 354 is replaced by alanine, an amino acid with similar properties. This amino acid position is not well conserved in available vertebrate species. In addition, this alteration is predicted to be tolerated by in silico analysis. Since supporting evidence is limited at this time, the clinical significance of this alteration remains unclear.

Labcorp Genetics (formerly Invitae), Labcorp
Classification: Uncertain significance for Familial cancer of breast; Fanconi anemia complementation group J. Last evaluated: 2021-08-29. Review status: criteria provided, single submitter. Criteria: Invitae Variant Classification Sherloc (09022015). Collection method: clinical testing. Allele origin: germline.
Comment: This variant is not present in population databases (ExAC no frequency). This sequence change replaces threonine with alanine at codon 354 of the BRIP1 protein (p.Thr354Ala). The threonine residue is weakly conserved and there is a small physicochemical difference between threonine and alanine. This variant has not been reported in the literature in individuals affected with BRIP1-related conditions. Algorithms developed to predict the effect of missense changes on protein structure and function output the following: SIFT: "Tolerated"; PolyPhen-2: "Benign"; Align-GVGD: "Class C0". The alanine amino acid residue is found in multiple mammalian species, which suggests that this missense change does not adversely affect protein function. In summary, the available evidence is currently insufficient to determine the role of this variant in disease. Therefore, it has been classified as a Variant of Uncertain Significance.

NM_032043.3(BRIP1):c.1060A>G (p.Thr354Ala)

Gene: BRIP1 (BRCA1 interacting DNA helicase 1; minus strand). Cytogenetic location: 17q23.2.
Variant type: single nucleotide variant.
Coding change: c.1060A>G on transcript NM_032043.3 (MANE Select); coding-DNA position 1060, A replaced by G.
Protein change: p.Thr354Ala; replaces threonine 354 with alanine.
Molecular consequence: missense variant.
Genome position (GRCh38, 1-based): chr17:61,801,333, T>C on the plus strand (A>G on the coding strand, the complement: BRIP1 is on the minus strand). VCF-style: chr17-61801333-T-C. GRCh37 (hg19) VCF-style: chr17-59878694-T-C.
Other names: c.1060A>G (NM_032043.2); short protein forms T354A.
Identifiers: ClinVar variation 1471760 (VCV001471760.8), dbSNP rs2145335496, ClinGen allele CA400484014.